The following is an entry in ClinVar:

ClinVar aggregate classification (germline): Uncertain significance. Review status: criteria provided, multiple submitters, no conflicts (2 of 4 stars). 2 submissions from 2 submitters: Uncertain significance (2). Last evaluated 2024-06-11.

Submissions (2):

Women's Health and Genetics/Laboratory Corporation of America, LabCorp
Classification: Uncertain significance. Last evaluated: 2024-06-11. Review status: criteria provided, single submitter. Criteria: LabCorp Variant Classification Summary - May 2015. Collection method: clinical testing. Allele origin: germline.
Comment: Variant summary: NTRK2 c.825T>A (p.Asp275Glu) results in a conservative amino acid change in the encoded protein sequence. Five of five in-silico tools predict a benign effect of the variant on protein function. The variant was absent in 251456 control chromosomes. The available data on variant occurrences in the general population are insufficient to allow any conclusion about variant significance. To our knowledge, no occurrence of c.825T>A in individuals affected with Developmental And Epileptic Encephalopathy, 58 and no experimental evidence demonstrating its impact on protein function have been reported. ClinVar contains an entry for this variant (Variation ID: 1715027). Based on the evidence outlined above, the variant was classified as uncertain significance.

Labcorp Genetics (formerly Invitae), Labcorp
Classification: Uncertain significance. Last evaluated: 2023-08-17. Review status: criteria provided, single submitter. Criteria: Invitae Variant Classification Sherloc (09022015). Collection method: clinical testing. Allele origin: germline.
Comment: In summary, the available evidence is currently insufficient to determine the role of this variant in disease. Therefore, it has been classified as a Variant of Uncertain Significance. Advanced modeling of protein sequence and biophysical properties (such as structural, functional, and spatial information, amino acid conservation, physicochemical variation, residue mobility, and thermodynamic stability) performed at Invitae indicates that this missense variant is not expected to disrupt NTRK2 protein function. ClinVar contains an entry for this variant (Variation ID: 1715027). This variant has not been reported in the literature in individuals affected with NTRK2-related conditions. This variant is not present in population databases (gnomAD no frequency). This sequence change replaces aspartic acid, which is acidic and polar, with glutamic acid, which is acidic and polar, at codon 275 of the NTRK2 protein (p.Asp275Glu).

NM_006180.6(NTRK2):c.825T>A (p.Asp275Glu)

Gene: NTRK2 (neurotrophic receptor tyrosine kinase 2; plus strand). Cytogenetic location: 9q21.33.
Variant type: single nucleotide variant.
Coding change: c.825T>A on transcript NM_006180.6 (MANE Select); coding-DNA position 825, T replaced by A.
Protein change: p.Asp275Glu; replaces aspartic acid 275 with glutamic acid.
Molecular consequence: missense variant.
Genome position (GRCh38, 1-based): chr9:84,724,328, T>A. VCF-style: chr9-84724328-T-A. GRCh37 (hg19) VCF-style: chr9-87339243-T-A.
Other names: c.825T>A, p.Asp275Glu (NM_001007097.3, NM_001018064.3, NM_001018065.2 and 19 more transcripts); c.357T>A, p.Asp119Glu (NM_001369535.1, NM_001369536.1, NM_001369550.1 and 2 more transcripts); short protein forms D119E, D275E.
Identifiers: ClinVar variation 1715027 (VCV001715027.6), dbSNP rs1564130631, ClinGen allele CA374007641.
Genomic context (GRCh38, chr9:84,724,328, plus strand): 5'-TTCATCCGATGACAGTGGGAAGCAGATCTCTTGTGTGGCGGAAAATCTTGTAGGAGAAGA[T>A]CAAGATTCTGTCAACCTCACTGTGCATTGTACGTAATCAGACTGGCATGTGTTTTTAATA-3'
Protein context (NP_006171.2, residues 265-285): SCVAENLVGE[Asp275Glu]QDSVNLTVHF